The following is an entry in ClinVar:

NM_024675.4(PALB2):c.2846G>T (p.Cys949Phe)

Gene: PALB2 (partner and localizer of BRCA2; minus strand). Cytogenetic location: 16p12.2.
Variant type: single nucleotide variant.
Coding change: c.2846G>T on transcript NM_024675.4 (MANE Select); coding-DNA position 2846, G replaced by T.
Protein change: p.Cys949Phe; replaces cysteine 949 with phenylalanine.
Molecular consequence: missense variant.
Genome position (GRCh38, 1-based): chr16:23,623,119, C>A on the plus strand (G>T on the coding strand, the complement: PALB2 is on the minus strand). VCF-style: chr16-23623119-C-A. GRCh37 (hg19) VCF-style: chr16-23634440-C-A.
Other names: short protein forms C949F.
Identifiers: ClinVar variation 821894 (VCV000821894.7), dbSNP rs587778588, ClinGen allele CA395144503.
Genomic context (GRCh38, chr16:23,623,119, plus strand): 5'-ACAGCTTTTATATTTCCAGACTTCAGTAGTACTTGCTTTTCACTTTCATCATCAGAGGAA[C>A]AAAACAATGCCCTAAGCCAAATATAAGGAAAAATGGGGTGATGTGAGGAGTAACCTTTTA-3'
Protein context (NP_078951.2, residues 939-959): LEIREIRALF[Cys949Phe]SSDDESEKQV

ClinVar aggregate classification (germline): Uncertain significance. Review status: criteria provided, multiple submitters, no conflicts (2 of 4 stars). 2 submissions from 2 submitters: Uncertain significance (2). Last evaluated 2024-09-18.

Conditions:
Hereditary cancer-predisposing syndrome. Also called: Tumor predisposition; Hereditary Cancer Syndrome; Neoplastic Syndromes, Hereditary; Hereditary neoplastic syndrome. Identifiers: Orphanet 140162, MedGen C0027672, MeSH D009386, MONDO:0015356.
Familial cancer of breast. Also called: BREAST CANCER, FAMILIAL; Hereditary breast cancer; hereditary breast carcinoma. Identifiers: Orphanet 227535, MedGen C0346153, MONDO:0016419, OMIM 114480. Disease mechanism: loss of function.

Submissions (2):

Ambry Genetics
Classification: Uncertain significance for Hereditary cancer-predisposing syndrome. Last evaluated: 2024-09-18. Review status: criteria provided, single submitter. Criteria: Ambry Variant Classification Scheme 2023. Collection method: clinical testing. Allele origin: germline.
Comment: The p.C949F variant (also known as c.2846G>T), located in coding exon 9 of the PALB2 gene, results from a G to T substitution at nucleotide position 2846. The cysteine at codon 949 is replaced by phenylalanine, an amino acid with highly dissimilar properties. This amino acid position is not well conserved in available vertebrate species. In addition, this alteration is predicted to be tolerated by in silico analysis. Since supporting evidence is limited at this time, the clinical significance of this alteration remains unclear.

Labcorp Genetics (formerly Invitae), Labcorp
Classification: Uncertain significance for Familial cancer of breast. Last evaluated: 2024-02-24. Review status: criteria provided, single submitter. Criteria: Invitae Variant Classification Sherloc (09022015). Collection method: clinical testing. Allele origin: germline.
Comment: This sequence change replaces cysteine, which is neutral and slightly polar, with phenylalanine, which is neutral and non-polar, at codon 949 of the PALB2 protein (p.Cys949Phe). This variant is not present in population databases (gnomAD no frequency). This variant has not been reported in the literature in individuals affected with PALB2-related conditions. ClinVar contains an entry for this variant (Variation ID: 821894). Advanced modeling of protein sequence and biophysical properties (such as structural, functional, and spatial information, amino acid conservation, physicochemical variation, residue mobility, and thermodynamic stability) performed at Invitae indicates that this missense variant is expected to disrupt PALB2 protein function with a positive predictive value of 80%. In summary, the available evidence is currently insufficient to determine the role of this variant in disease. Therefore, it has been classified as a Variant of Uncertain Significance.